The following is an entry in ClinVar:

ClinVar aggregate classification (germline): Likely benign. Review status: criteria provided, multiple submitters, no conflicts (2 of 4 stars). 3 submissions from 3 submitters: Likely benign (2). 1 of the submissions does not count toward it. Last evaluated 2025-11-01.

Conditions:
CTDP1-related disorder. Also called: CTDP1-related condition.

Allele frequency attached by ClinVar (database versions not stated): gnomAD 0.00003; TOPMed 0.00008.
gnomAD v4.1: 33 of 1,613,564 alleles (0.002%); highest among the groups gnomAD compares: Middle Eastern, 0.016%; no homozygotes.

Submissions (3):

Labcorp Genetics (formerly Invitae), Labcorp
Classification: Likely benign. Last evaluated: 2025-11-01. Review status: criteria provided, single submitter. Criteria: Invitae Variant Classification Sherloc (09022015). Collection method: clinical testing. Allele origin: germline.

Women's Health and Genetics/Laboratory Corporation of America, LabCorp
Classification: Likely benign. Last evaluated: 2025-02-25. Review status: criteria provided, single submitter. Criteria: LabCorp Variant Classification Summary - May 2015. Collection method: clinical testing. Allele origin: germline.

PreventionGenetics, part of Exact Sciences
Classification: Likely benign for CTDP1-related condition. Last evaluated: 2020-11-18. Review status: no assertion criteria provided. Collection method: clinical testing. Allele origin: germline. Not counted in ClinVar's aggregate classification.
Comment: This variant is classified as likely benign based on ACMG/AMP sequence variant interpretation guidelines (Richards et al. 2015 PMID: 25741868, with internal and published modifications).

NM_004715.5(CTDP1):c.2259C>T (p.Thr753=)

Gene: CTDP1 (CTD phosphatase subunit 1; plus strand). Cytogenetic location: 18q23.
Variant type: single nucleotide variant.
Coding change: c.2259C>T on transcript NM_004715.5 (MANE Select); coding-DNA position 2259, C replaced by T.
Protein change: p.Thr753=; no amino-acid change (threonine 753 retained).
Molecular consequence: synonymous variant.
Genome position (GRCh38, 1-based): chr18:79,717,858, C>T. VCF-style: chr18-79717858-C-T. GRCh37 (hg19) VCF-style: chr18-77477858-C-T.
Other names: c.1902C>T, p.Thr634= (NM_001202504.1); c.2259C>T, p.Thr753= (NM_001318511.2, NM_048368.4).
Identifiers: ClinVar variation 3032080 (VCV003032080.5), dbSNP rs918021545, ClinGen allele CA303774838.